The following is an entry in ClinVar:

NM_001127222.2(CACNA1A):c.6340-192G>A

Gene: CACNA1A (calcium voltage-gated channel subunit alpha1 A; minus strand). Cytogenetic location: 19p13.13.
Variant type: single nucleotide variant.
Coding change: c.6340-192G>A on transcript NM_001127222.2 (MANE Select); 192 bases into the intron before coding-DNA position 6340, G replaced by A.
Molecular consequence: intron variant.
Genome position (GRCh38, 1-based): chr19:13,209,690, C>T on the plus strand (G>A on the coding strand, the complement: CACNA1A is on the minus strand). VCF-style: chr19-13209690-C-T. GRCh37 (hg19) VCF-style: chr19-13320504-C-T.
Other names: c.6343-192G>A (NM_001127221.2); c.6349-192G>A (NM_001174080.2); c.6358-192G>A (NM_000068.4, NM_023035.3).
Identifiers: ClinVar variation 680295 (VCV000680295.1), dbSNP rs79459566, ClinGen allele CA305548389.

ClinVar aggregate classification (germline): Benign (1 of 4 stars; one submission).

Allele frequency attached by ClinVar (database versions not stated): TOPMed 0.03324; gnomAD 0.04229 and 0.04382; 1000 Genomes Project 0.04373.
gnomAD v4.1: 6,676 of 152,178 alleles (4.4%); highest among the groups gnomAD compares: South Asian, 7.3%; 261 homozygotes.

Submission:

GeneDx
Classification: Benign. Last evaluated: 2018-06-14. Review status: criteria provided, single submitter. Criteria: GeneDx Variant Classification (06012015). Collection method: clinical testing. Allele origin: germline. Affected: yes.
Comment: This variant is considered likely benign or benign based on one or more of the following criteria: it is a conservative change, it occurs at a poorly conserved position in the protein, it is predicted to be benign by multiple in silico algorithms, and/or has population frequency not consistent with disease.